The following is an entry in ClinVar:

ClinVar aggregate classification (germline): Uncertain significance (1 of 4 stars; one submission).

Conditions:
Retinoblastoma (RB1). Also called: RETINOBLASTOMA, SOMATIC. Identifiers: Orphanet 790, MedGen C0035335, MeSH D012175, MONDO:0008380, OMIM 180200, HP:0009919. Disease mechanism: loss of function. Inheritance: Both sporadic and heritable forms are tested..

Submission:

Labcorp Genetics (formerly Invitae), Labcorp
Classification: Uncertain significance for Retinoblastoma. Last evaluated: 2024-06-29. Review status: criteria provided, single submitter. Criteria: Invitae Variant Classification Sherloc (09022015). Collection method: clinical testing. Allele origin: germline.
Comment: This variant occurs in a non-coding region of the RB1 gene. It does not change the encoded amino acid sequence of the RB1 protein. This variant is not present in population databases (gnomAD no frequency). This variant has not been reported in the literature in individuals affected with RB1-related conditions. In summary, the available evidence is currently insufficient to determine the role of this variant in disease. Therefore, it has been classified as a Variant of Uncertain Significance.

NM_000321.3(RB1):c.-149G>A

Gene: RB1 (RB transcriptional corepressor 1; plus strand). Cytogenetic location: 13q14.2.
Variant type: single nucleotide variant.
Coding change: c.-149G>A on transcript NM_000321.3 (MANE Select); 149 bases upstream of the start codon, G replaced by A.
Molecular consequence: 5 prime UTR variant.
Genome position (GRCh38, 1-based): chr13:48,303,764, G>A. VCF-style: chr13-48303764-G-A. GRCh37 (hg19) VCF-style: chr13-48877900-G-A.
Other names: c.-149G>A (NM_001407165.1, NM_001407166.1, NM_001407167.1).
Identifiers: ClinVar variation 3658173 (VCV003658173.2).
Genomic context (GRCh38, chr13:48,303,764, plus strand): 5'-ACGCCGCGGGCGGAAGTGACGTTTTCCCGCGGTTGGACGCGGCGCTCAGTTGCCGGGCGG[G>A]GGAGGGCGCGTCCGGTTTTTCTCAGGGGACGTTGAAATTATTTTTGTAACGGGAGTCGGG-3'